The following is an entry in ClinVar:

ClinVar aggregate classification (germline): Conflicting classifications of pathogenicity. Review status: criteria provided, conflicting classifications (1 of 4 stars). 3 submissions from 3 submitters: Uncertain significance (2); Likely benign (1). Last evaluated 2024-12-10.

Conditions:
Inborn genetic diseases. Identifiers: MedGen C0950123, MeSH D030342.

Allele frequency attached by ClinVar (database versions not stated): gnomAD exomes 0.00003 and 0.00007; ExAC 0.00004; 1000 Genomes Project 30x 0.00031; ESP Exome Variant Server 0.00032; TOPMed 0.00037; gnomAD 0.00042.

Submissions (3):

Ambry Genetics
Classification: Uncertain significance for Inborn genetic diseases. Last evaluated: 2024-12-10. Review status: criteria provided, single submitter. Criteria: Ambry Variant Classification Scheme 2023. Collection method: clinical testing. Allele origin: germline.

Blueprint Genetics
Classification: Likely benign. Last evaluated: 2024-03-27. Review status: criteria provided, single submitter. Criteria: ACMG Guidelines, 2015. Collection method: clinical testing. Allele origin: germline.

Labcorp Genetics (formerly Invitae), Labcorp
Classification: Uncertain significance. Last evaluated: 2022-10-13. Review status: criteria provided, single submitter. Criteria: Invitae Variant Classification Sherloc (09022015). Collection method: clinical testing. Allele origin: germline.
Comment: This sequence change replaces arginine, which is basic and polar, with histidine, which is basic and polar, at codon 1085 of the GPR179 protein (p.Arg1085His). This variant is present in population databases (rs376806035, gnomAD 0.09%). This variant has not been reported in the literature in individuals affected with GPR179-related conditions. ClinVar contains an entry for this variant (Variation ID: 1008515). Algorithms developed to predict the effect of missense changes on protein structure and function output the following: SIFT: "Tolerated"; PolyPhen-2: "Benign"; Align-GVGD: "Class C0". The histidine amino acid residue is found in multiple mammalian species, which suggests that this missense change does not adversely affect protein function. In summary, the available evidence is currently insufficient to determine the role of this variant in disease. Therefore, it has been classified as a Variant of Uncertain Significance.

NM_001004334.4(GPR179):c.3254G>A (p.Arg1085His)

Gene: GPR179 (G protein-coupled receptor 179; minus strand). Cytogenetic location: 17q12.
Variant type: single nucleotide variant.
Coding change: c.3254G>A on transcript NM_001004334.4 (MANE Select); coding-DNA position 3254, G replaced by A.
Protein change: p.Arg1085His; replaces arginine 1085 with histidine.
Molecular consequence: missense variant.
Genome position (GRCh38, 1-based): chr17:38,330,315, C>T on the plus strand (G>A on the coding strand, the complement: GPR179 is on the minus strand). VCF-style: chr17-38330315-C-T. GRCh37 (hg19) VCF-style: chr17-36486198-C-T.
Other names: c.3254G>A (NM_001004334.2); short protein forms R1085H.
Identifiers: ClinVar variation 1008515 (VCV001008515.6), dbSNP rs376806035, ClinGen allele CA290105280.